The following is an entry in ClinVar:

ClinVar aggregate classification (germline): Pathogenic. Review status: criteria provided, multiple submitters, no conflicts (2 of 4 stars). 4 submissions from 4 submitters: Pathogenic (2). 2 of the submissions do not count toward it. Last evaluated 2023-12-07.

Conditions:
Hypoparathyroidism, deafness, renal disease syndrome (HDRS). Also called: HYPOPARATHYROIDISM, SENSORINEURAL DEAFNESS, AND RENAL DYSPLASIA SYNDROME. Identifiers: Orphanet 2237, MedGen C1840333, MONDO:0007797, OMIM 146255.

Submissions (4):

GeneDx
Classification: Pathogenic. Last evaluated: 2023-12-07. Review status: criteria provided, single submitter. Criteria: GeneDx Variant Classification Process June 2021. Collection method: clinical testing. Allele origin: germline. Affected: yes.
Comment: Frameshift variant predicted to result in protein truncation or nonsense mediated decay in a gene for which loss-of-function is a known mechanism of disease; Not observed at significant frequency in large population cohorts (gnomAD); This variant is associated with the following publications: (PMID: 34440452, 17309062, 33363791, 17210674)

Center of Genomic medicine, Geneva, University Hospital of Geneva
Classification: Pathogenic for Hypoparathyroidism, deafness, renal disease syndrome. Last evaluated: 2019-09-04. Review status: criteria provided, single submitter. Criteria: ACMG Guidelines, 2015. Collection method: clinical testing. Allele origin: de novo. Affected: yes. Observed: 1 variant allele.

Gharavi Laboratory, Columbia University
Classification: Likely pathogenic for Hypoparathyroidism, deafness, renal disease syndrome. Last evaluated: 2024-11-05. Review status: no assertion criteria provided. Criteria: ACMG Guidelines, 2015. Collection method: case-control. Allele origin: germline. Affected: yes. Not counted in ClinVar's aggregate classification.

OMIM
Classification: Pathogenic for HYPOPARATHYROIDISM, SENSORINEURAL DEAFNESS, AND RENAL DYSPLASIA SYNDROME. Last evaluated: 2007-04-01. Review status: no assertion criteria provided. Collection method: literature only. Allele origin: germline. Not counted in ClinVar's aggregate classification.

Literature cited by the submitters: PubMed 17309062 (cited by OMIM).

NM_001002295.2(GATA3):c.431del (p.Gly144fs)

Gene: GATA3 (GATA binding protein 3; plus strand). Cytogenetic location: 10p14.
Variant type: Deletion.
Coding change: c.431del on transcript NM_001002295.2 (MANE Select); coding-DNA position 431, one base deleted (G; older notation c.431delG).
Protein change: p.Gly144fs; shifts the reading frame from glycine 144.
Molecular consequence: frameshift variant.
Genome position (GRCh38, 1-based): chr10:8,058,494, G deleted; the last of 6 consecutive G bases (chr10:8,058,489-8,058,494); deleting any one gives the same sequence. VCF-style (leftmost placement, unchanged base first): chr10-8058488-CG-C. GRCh37 (hg19) VCF-style: chr10-8100451-CG-C.
Other names: c.431delG (NM_001002295.1, NM_001002295.2); c.431del, p.Gly144fs (NM_002051.3); c.431del (NM_001002295.1); short protein forms G144fs.
Identifiers: ClinVar variation 16627 (VCV000016627.6), dbSNP rs1588377948, ClinGen allele CA468400674.